The following is an entry in ClinVar:

NM_020937.4(FANCM):c.5708A>G (p.Glu1903Gly)

Gene: FANCM (FA complementation group M; plus strand). Cytogenetic location: 14q21.2.
Variant type: single nucleotide variant.
Coding change: c.5708A>G on transcript NM_020937.4 (MANE Select); coding-DNA position 5708, A replaced by G.
Protein change: p.Glu1903Gly; replaces glutamic acid 1903 with glycine.
Molecular consequence: missense variant.
Genome position (GRCh38, 1-based): chr14:45,196,539, A>G. VCF-style: chr14-45196539-A-G. GRCh37 (hg19) VCF-style: chr14-45665742-A-G.
Other names: c.5630A>G, p.Glu1877Gly (NM_001308133.2); c.5708A>G (NM_020937.2, NM_020937.3); short protein forms E1877G, E1903G.
Identifiers: ClinVar variation 1040899 (VCV001040899.8), dbSNP rs569435551, ClinGen allele CA7170040.
Genomic context (GRCh38, chr14:45,196,539, plus strand): 5'-AGATCCAGCACCTGCAGAGTATGTTTGAAAGAATATGTGTGATTGTGGAAAAGGACAGAG[A>G]AAAAACAGGTTTGTATTTTTAAATATCTTTGTTTATAAGACTGTAAAGGAACTTTACGGT-3'
Protein context (NP_065988.1, residues 1893-1913): RICVIVEKDR[Glu1903Gly]KTGDTSRMFR

ClinVar aggregate classification (germline): Uncertain significance. Review status: criteria provided, multiple submitters, no conflicts (2 of 4 stars). 4 submissions from 4 submitters: Uncertain significance (4). Last evaluated 2025-03-22.

Conditions:
Fanconi anemia (FA). Also called: Fanconi's anemia. Identifiers: Orphanet 84, MedGen C0015625, MeSH D005199, MONDO:0019391.
Inborn genetic diseases. Identifiers: MedGen C0950123, MeSH D030342.

Allele frequency attached by ClinVar (database versions not stated): gnomAD 0.00003 and 0.00002; 1000 Genomes Project 30x 0.00016; 1000 Genomes Project 0.00020; gnomAD exomes 0.00001 and 0.00002; TOPMed 0.00007; ExAC 0.00001.
gnomAD v4.1: 10 of 1,613,530 alleles (0.00062%); highest among the groups gnomAD compares: Admixed American, 0.013%; no homozygotes.

Submissions (4):

Ambry Genetics
Classification: Uncertain significance for Inborn genetic diseases. Last evaluated: 2025-03-22. Review status: criteria provided, single submitter. Criteria: Ambry Variant Classification Scheme 2023. Collection method: clinical testing. Allele origin: germline.

Quest Diagnostics Nichols Institute San Juan Capistrano
Classification: Uncertain significance. Last evaluated: 2024-10-21. Review status: criteria provided, single submitter. Criteria: Quest Diagnostics criteria. Collection method: clinical testing. Allele origin: unknown.
Comment: The FANCM c.5708A>G (p.Glu1903Gly) variant has not been reported in individuals with FANCM-related conditions in the published literature. The frequency of this variant in the general population, 0.000087 (3/34576 chromosomes (Genome Aggregation Database)), is uninformative in the assessment of its pathogenicity. Analysis of this variant using bioinformatics tools for the prediction of the effect of amino acid changes on protein structure and function yielded conflicting predictions that this variant is benign or damaging. Based on the available information, we are unable to determine the clinical significance of this variant.

Labcorp Genetics (formerly Invitae), Labcorp
Classification: Uncertain significance for Fanconi anemia. Last evaluated: 2023-12-13. Review status: criteria provided, single submitter. Criteria: Invitae Variant Classification Sherloc (09022015). Collection method: clinical testing. Allele origin: germline.
Comment: This sequence change replaces glutamic acid, which is acidic and polar, with glycine, which is neutral and non-polar, at codon 1903 of the FANCM protein (p.Glu1903Gly). This variant is present in population databases (rs569435551, gnomAD 0.006%). This variant has not been reported in the literature in individuals affected with FANCM-related conditions. ClinVar contains an entry for this variant (Variation ID: 1040899). An algorithm developed to predict the effect of missense changes on protein structure and function (PolyPhen-2) suggests that this variant is likely to be disruptive. In summary, the available evidence is currently insufficient to determine the role of this variant in disease. Therefore, it has been classified as a Variant of Uncertain Significance.

GeneDx
Classification: Uncertain significance. Last evaluated: 2023-10-02. Review status: criteria provided, single submitter. Criteria: GeneDx Variant Classification Process June 2021. Collection method: clinical testing. Allele origin: germline. Affected: yes.
Comment: Not observed at significant frequency in large population cohorts (gnomAD); In silico analysis supports that this missense variant has a deleterious effect on protein structure/function; Has not been previously published as pathogenic or benign to our knowledge